The following is an entry in ClinVar:

ClinVar aggregate classification (germline): Benign (1 of 4 stars; one submission).

Allele frequency attached by ClinVar (database versions not stated): gnomAD 0.76307; TOPMed 0.77518; 1000 Genomes Project 30x 0.85150; 1000 Genomes Project 0.85244.
gnomAD v4.1: 847,515 of 1,176,556 alleles (72%); highest among the groups gnomAD compares: East Asian, 100%; 309,245 homozygotes.

Submission:

Unidad de Genómica Garrahan, Hospital de Pediatría Garrahan
Classification: Benign. Last evaluated: 2024-01-24. Review status: criteria provided, single submitter. Criteria: ACMG Guidelines, 2015. Collection method: clinical testing. Allele origin: germline. Affected: no. Observed: 87 variant alleles.
Comment: This variant is classified as Benign based on local population frequency. This variant was detected in 99% of patients studied by a panel of primary immunodeficiencies. Number of patients: 87. Only high quality variants are reported.

NM_004944.4(DNASE1L3):c.434-75T>C

Gene: DNASE1L3 (deoxyribonuclease 1L3; minus strand). Cytogenetic location: 3p14.3.
Variant type: single nucleotide variant.
Coding change: c.434-75T>C on transcript NM_004944.4 (MANE Select); 75 bases into the intron before coding-DNA position 434, T replaced by C.
Molecular consequence: intron variant.
Genome position (GRCh38, 1-based): chr3:58,201,184, A>G on the plus strand (T>C on the coding strand, the complement: DNASE1L3 is on the minus strand). VCF-style: chr3-58201184-A-G. GRCh37 (hg19) VCF-style: chr3-58186911-A-G.
Other names: c.344-75T>C (NM_001256560.2).
Identifiers: ClinVar variation 2688376 (VCV002688376.2), dbSNP rs4234389, ClinGen allele CA11406410.